The following is an entry in ClinVar:

ClinVar aggregate classification (germline): Uncertain significance (1 of 4 stars; one submission).

Conditions:
Cardiovascular phenotype. Identifiers: MedGen CN230736.

gnomAD v4.1: 3 of 1,525,920 alleles (0.0002%); highest among the groups gnomAD compares: Non-Finnish European, 0.00026%; no homozygotes.

Submission:

Ambry Genetics
Classification: Uncertain significance for Cardiovascular phenotype. Last evaluated: 2026-01-15. Review status: criteria provided, single submitter. Criteria: Ambry Variant Classification Scheme 2023. Collection method: clinical testing. Allele origin: germline.
Comment: The p.M41I variant (also known as c.123G>A), located in coding exon 1 of the RBM20 gene, results from a G to A substitution at nucleotide position 123. The methionine at codon 41 is replaced by isoleucine, an amino acid with highly similar properties. This amino acid position is highly conserved in available vertebrate species. In addition, the in silico prediction for this alteration is inconclusive. Based on the available evidence, the clinical significance of this variant remains unclear.

NM_001134363.3(RBM20):c.123G>A (p.Met41Ile)

Gene: RBM20 (RNA binding motif protein 20; plus strand). Cytogenetic location: 10q25.2.
Variant type: single nucleotide variant.
Coding change: c.123G>A on transcript NM_001134363.3 (MANE Select); coding-DNA position 123, G replaced by A.
Protein change: p.Met41Ile; replaces methionine 41 with isoleucine.
Molecular consequence: missense variant.
Genome position (GRCh38, 1-based): chr10:110,644,577, G>A. VCF-style: chr10-110644577-G-A. GRCh37 (hg19) VCF-style: chr10-112404335-G-A.
Other names: short protein forms M41I.
Identifiers: ClinVar variation 4842218 (VCV004842218.1).